The following is an entry in ClinVar:

NM_006432.5(NPC2):c.191-1G>A

Gene: NPC2 (NPC intracellular cholesterol transporter 2; minus strand). Cytogenetic location: 14q24.3.
Variant type: single nucleotide variant.
Coding change: c.191-1G>A on transcript NM_006432.5 (MANE Select); the canonical splice acceptor site of the intron before coding-DNA position 191, G replaced by A.
Molecular consequence: splice acceptor variant.
Genome position (GRCh38, 1-based): chr14:74,484,588, C>T on the plus strand (G>A on the coding strand, the complement: NPC2 is on the minus strand). VCF-style: chr14-74484588-C-T. GRCh37 (hg19) VCF-style: chr14-74951291-C-T.
Other names: c.191-1G>A (NM_001363688.1, NM_001375440.1).
Identifiers: ClinVar variation 2719739 (VCV002719739.3), dbSNP rs2506104683, ClinGen allele CA390532613.
Genomic context (GRCh38, chr14:74,484,588, plus strand): 5'-GAACTGGGACGCCCATCAGGATGCCATGCACCACGGCCTTGCTGCTTTTAGACTGAATAT[C>T]TAAGAGAAAAAAAGAGAATCAGATGGCAAAGAAAATAACCTATTTTCAAACTCTAAATCA-3'

ClinVar aggregate classification (germline): Likely pathogenic (1 of 4 stars; one submission).

Conditions:
Niemann-Pick disease, type C2 (NPC2). Identifiers: Orphanet 646, MedGen C1843366, MONDO:0011873, OMIM 607625.

Submission:

Labcorp Genetics (formerly Invitae), Labcorp
Classification: Likely pathogenic for Niemann-Pick disease, type C2. Last evaluated: 2023-06-20. Review status: criteria provided, single submitter. Criteria: Invitae Variant Classification Sherloc (09022015). Collection method: clinical testing. Allele origin: germline.
Comment: This sequence change affects an acceptor splice site in intron 2 of the NPC2 gene. It is expected to disrupt RNA splicing. Variants that disrupt the donor or acceptor splice site typically lead to a loss of protein function (PMID: 16199547), and loss-of-function variants in NPC2 are known to be pathogenic (PMID: 25145893). This variant is not present in population databases (gnomAD no frequency). This variant has not been reported in the literature in individuals affected with NPC2-related conditions. Algorithms developed to predict the effect of sequence changes on RNA splicing suggest that this variant may disrupt the consensus splice site. In summary, the currently available evidence indicates that the variant is pathogenic, but additional data are needed to prove that conclusively. Therefore, this variant has been classified as Likely Pathogenic.

Literature cited by the submitters: PubMed 16199547; PubMed 25145893.